The following is an entry in ClinVar:

ClinVar aggregate classification (germline): Uncertain significance (1 of 4 stars; one submission).

Submission:

Ambry Genetics
Classification: Uncertain significance. Last evaluated: 2025-04-05. Review status: criteria provided, single submitter. Criteria: Ambry Variant Classification Scheme 2023. Collection method: clinical testing. Allele origin: germline.
Comment: The p.E419V variant (also known as c.1256A>T), located in coding exon 11 of the GEN1 gene, results from an A to T substitution at nucleotide position 1256. The glutamic acid at codon 419 is replaced by valine, an amino acid with dissimilar properties. This amino acid position is conserved. In addition, this alteration is predicted to be tolerated by in silico analysis. Based on the available evidence, the clinical significance of this variant remains unclear.

NM_001130009.3(GEN1):c.1256A>T (p.Glu419Val)

Gene: GEN1 (GEN1 Holliday junction 5' flap endonuclease; plus strand). Cytogenetic location: 2p24.2.
Variant type: single nucleotide variant.
Coding change: c.1256A>T on transcript NM_001130009.3 (MANE Select); coding-DNA position 1256, A replaced by T.
Protein change: p.Glu419Val; replaces glutamic acid 419 with valine.
Molecular consequence: missense variant.
Genome position (GRCh38, 1-based): chr2:17,778,055, A>T. VCF-style: chr2-17778055-A-T. GRCh37 (hg19) VCF-style: chr2-17959322-A-T.
Other names: c.1256A>T, p.Glu419Val (NM_182625.5); short protein forms E419V.
Identifiers: ClinVar variation 4029205 (VCV004029205.1).